The following is an entry in ClinVar:

ClinVar aggregate classification (germline): Uncertain significance (1 of 4 stars; one submission).

Submission:

Labcorp Genetics (formerly Invitae), Labcorp
Classification: Uncertain significance. Last evaluated: 2025-05-19. Review status: criteria provided, single submitter. Criteria: Invitae Variant Classification Sherloc (09022015). Collection method: clinical testing. Allele origin: germline.
Comment: This sequence change falls in intron 8 of the SLC26A3 gene. It does not directly change the encoded amino acid sequence of the SLC26A3 protein. It affects a nucleotide within the consensus splice site. This variant is not present in population databases (gnomAD no frequency). This variant has not been reported in the literature in individuals affected with SLC26A3-related conditions. Variants that disrupt the consensus splice site are a relatively common cause of aberrant splicing (PMID: 17576681, 9536098). Algorithms developed to predict the effect of sequence changes on RNA splicing suggest that this variant may disrupt the consensus splice site. In summary, the available evidence is currently insufficient to determine the role of this variant in disease. Therefore, it has been classified as a Variant of Uncertain Significance.

Literature cited by the submitters: PubMed 17576681; PubMed 9536098.

NM_000111.3(SLC26A3):c.971+3_971+6del

Gene: SLC26A3 (solute carrier family 26 member 3; minus strand). Cytogenetic location: 7q22.3.
Variant type: Deletion.
Coding change: c.971+3_971+6del on transcript NM_000111.3 (MANE Select); bases 3 to 6 of the intron after coding-DNA position 971, 4 bases deleted (AAGT; older notation c.971+3_971+6delAAGT).
Molecular consequence: splice donor variant.
Genome position (GRCh38, 1-based): chr7:107,786,821-107,786,824, ACTT deleted on the plus strand (AAGT on the coding strand, the reverse complement: SLC26A3 is on the minus strand); deleting any 4 consecutive bases within chr7:107,786,821-107,786,826 gives the same sequence; the c. name uses the placement nearest the transcript's 3' end. VCF-style (leftmost placement, unchanged base first): chr7-107786820-CACTT-C. GRCh37 (hg19) VCF-style: chr7-107427265-CACTT-C.
Identifiers: ClinVar variation 4698389 (VCV004698389.1).